The following is an entry in ClinVar:

NM_004714.3(DYRK1B):c.1638_1639dup (p.Arg547fs)

Gene: DYRK1B (dual specificity tyrosine phosphorylation regulated kinase 1B; minus strand). Cytogenetic location: 19q13.2.
Variant type: Duplication.
Coding change: c.1638_1639dup on transcript NM_004714.3 (MANE Select); coding-DNA positions 1638 to 1639, 2 bases duplicated (CC; older notation c.1638_1639dupCC).
Protein change: p.Arg547fs; shifts the reading frame from arginine 547.
Molecular consequence: frameshift variant.
Genome position (GRCh38, 1-based): chr19:39,825,966-39,825,967, GG duplicated on the plus strand (CC on the coding strand, the reverse complement: DYRK1B is on the minus strand); duplicating any 2 consecutive bases within chr19:39,825,966-39,825,969 gives the same sequence; the c. name uses the placement nearest the transcript's 3' end. VCF-style (leftmost placement, unchanged base first): chr19-39825965-C-CGG. GRCh37 (hg19) VCF-style: chr19-40316605-C-CGG.
Other names: c.1518_1519dup, p.Arg507fs (NM_006483.3); c.1554_1555dup, p.Arg519fs (NM_006484.3); short protein forms R507fs, R547fs, R519fs.
Identifiers: ClinVar variation 4992040 (VCV004992040.1).

ClinVar aggregate classification (germline): Uncertain significance (1 of 4 stars; one submission).

Conditions:
DYRK1B-related disorder. Also called: DYRK1B-related condition.

Submission:

PreventionGenetics, part of Exact Sciences
Classification: Uncertain significance for DYRK1B-related condition. Last evaluated: 2026-06-08. Review status: criteria provided, single submitter. Criteria: ACMG Guidelines, 2015. Collection method: clinical testing. Allele origin: germline.
Comment: The DYRK1B c.1638_1639dupCC variant is predicted to result in a frameshift and premature protein termination (p.Arg547Profs*18). To our knowledge, this variant has not been reported in the literature or in a large population database (gnomAD), indicating this variant is rare. At this time, the clinical significance of this variant is uncertain due to the absence of conclusive functional and genetic evidence.